The following is an entry in ClinVar:

ClinVar aggregate classification (germline): Uncertain significance (1 of 4 stars; one submission).

Conditions:
Ehlers-Danlos syndrome, type 4 (EDSVASC). Also called: Ehlers-Danlos syndrome vascular type; Ehlers Danlos syndrome, ecchymotic type; Ehlers Danlos syndrome, arterial type; Ehlers Danlos syndrome, Sack-Barabas type; Ehlers-Danlos Syndrome Type IV. Identifiers: Orphanet 286, MedGen C0268338, MONDO:0017314, OMIM 130050.

Submission:

Labcorp Genetics (formerly Invitae), Labcorp
Classification: Uncertain significance for Ehlers-Danlos syndrome, type 4. Last evaluated: 2023-10-23. Review status: criteria provided, single submitter. Criteria: Invitae Variant Classification Sherloc (09022015). Collection method: clinical testing. Allele origin: germline.
Comment: This sequence change replaces proline, which is neutral and non-polar, with leucine, which is neutral and non-polar, at codon 247 of the COL3A1 protein (p.Pro247Leu). This variant is not present in population databases (gnomAD no frequency). This variant has not been reported in the literature in individuals affected with COL3A1-related conditions. Advanced modeling of protein sequence and biophysical properties (such as structural, functional, and spatial information, amino acid conservation, physicochemical variation, residue mobility, and thermodynamic stability) performed at Invitae indicates that this missense variant is not expected to disrupt COL3A1 protein function with a negative predictive value of 95%. In summary, the available evidence is currently insufficient to determine the role of this variant in disease. Therefore, it has been classified as a Variant of Uncertain Significance.

NM_000090.4(COL3A1):c.740C>T (p.Pro247Leu)

Gene: COL3A1 (collagen type III alpha 1 chain; plus strand). Cytogenetic location: 2q32.2.
Variant type: single nucleotide variant.
Coding change: c.740C>T on transcript NM_000090.4 (MANE Select); coding-DNA position 740, C replaced by T.
Protein change: p.Pro247Leu; replaces proline 247 with leucine.
Molecular consequence: missense variant.
Genome position (GRCh38, 1-based): chr2:188,990,145, C>T. VCF-style: chr2-188990145-C-T. GRCh37 (hg19) VCF-style: chr2-189854871-C-T.
Other names: short protein forms P247L.
Identifiers: ClinVar variation 2987322 (VCV002987322.3), dbSNP rs2469118135, ClinGen allele CA349849070.
Genomic context (GRCh38, chr2:188,990,145, plus strand): 5'-TCTCTACCTAGGGAGAATCAGGTAGACCCGGACGACCTGGAGAGCGAGGATTGCCTGGAC[C>T]TCCAGTGAGTCTTCAGCATCTAATAAATTAATTGGAATAATCTTAGCTTGAAAACTATTA-3'
Protein context (NP_000081.2, residues 237-257): GRPGERGLPG[Pro247Leu]PGIKGPAGIP